The following is an entry in ClinVar:

ClinVar aggregate classification (germline): Uncertain significance. Review status: criteria provided, multiple submitters, no conflicts (2 of 4 stars). 2 submissions from 2 submitters: Uncertain significance (2). Last evaluated 2025-09-10.

Conditions:
Inborn genetic diseases. Identifiers: MedGen C0950123, MeSH D030342.

Allele frequency attached by ClinVar (database versions not stated): gnomAD 0.00001; gnomAD exomes 0.00001; ExAC 0.00002; TOPMed 0.00002.
gnomAD v4.1: 19 of 1,610,448 alleles (0.0012%); highest among the groups gnomAD compares: Non-Finnish European, 0.0014%; no homozygotes.

Submissions (2):

Ambry Genetics
Classification: Uncertain significance for Inborn genetic diseases. Last evaluated: 2025-09-10. Review status: criteria provided, single submitter. Criteria: Ambry Variant Classification Scheme 2023. Collection method: clinical testing. Allele origin: germline.

Labcorp Genetics (formerly Invitae), Labcorp
Classification: Uncertain significance. Last evaluated: 2022-12-06. Review status: criteria provided, single submitter. Criteria: Invitae Variant Classification Sherloc (09022015). Collection method: clinical testing. Allele origin: germline.
Comment: This sequence change replaces glycine, which is neutral and non-polar, with serine, which is neutral and polar, at codon 778 of the ADCY1 protein (p.Gly778Ser). This variant is present in population databases (rs749151602, gnomAD 0.003%). This variant has not been reported in the literature in individuals affected with ADCY1-related conditions. ClinVar contains an entry for this variant (Variation ID: 1513627). In summary, the available evidence is currently insufficient to determine the role of this variant in disease. Therefore, it has been classified as a Variant of Uncertain Significance. Advanced modeling of protein sequence and biophysical properties (such as structural, functional, and spatial information, amino acid conservation, physicochemical variation, residue mobility, and thermodynamic stability) performed at Invitae indicates that this missense variant is not expected to disrupt ADCY1 protein function.

NM_021116.4(ADCY1):c.2332G>A (p.Gly778Ser)

Gene: ADCY1 (adenylate cyclase 1; plus strand). Cytogenetic location: 7p12.3.
Variant type: single nucleotide variant.
Coding change: c.2332G>A on transcript NM_021116.4 (MANE Select); coding-DNA position 2332, G replaced by A.
Protein change: p.Gly778Ser; replaces glycine 778 with serine.
Molecular consequence: missense variant.
Genome position (GRCh38, 1-based): chr7:45,686,551, G>A. VCF-style: chr7-45686551-G-A. GRCh37 (hg19) VCF-style: chr7-45726150-G-A.
Other names: c.2332G>A (NM_021116.2); short protein forms G778S.
Identifiers: ClinVar variation 1513627 (VCV001513627.9), dbSNP rs749151602, ClinGen allele CA4249217.